The following is an entry in ClinVar:

ClinVar aggregate classification (germline): Uncertain significance. Review status: criteria provided, multiple submitters, no conflicts (2 of 4 stars). 2 submissions from 2 submitters: Uncertain significance (2). Last evaluated 2023-05-18.

Conditions:
Immunodeficiency, common variable, 10. Also called: IMMUNODEFICIENCY, COMMON VARIABLE, WITH CENTRAL ADRENAL INSUFFICIENCY; DEFICIT IN ANTERIOR PITUITARY FUNCTION AND VARIABLE IMMUNODEFICIENCY. Identifiers: MedGen C3809991, MONDO:0014260, OMIM 615577.

Allele frequency attached by ClinVar (database versions not stated): gnomAD 0.00001; gnomAD exomes 0.00001; TOPMed below 0.00001; ExAC 0.00001; ESP Exome Variant Server 0.00016.
gnomAD v4.1: 10 of 1,611,638 alleles (0.00062%); highest among the groups gnomAD compares: Middle Eastern, 0.016%; no homozygotes.

Submissions (2):

Labcorp Genetics (formerly Invitae), Labcorp
Classification: Uncertain significance for Immunodeficiency, common variable, 10. Last evaluated: 2023-05-18. Review status: criteria provided, single submitter. Criteria: Invitae Variant Classification Sherloc (09022015). Collection method: clinical testing. Allele origin: germline.
Comment: In summary, the available evidence is currently insufficient to determine the role of this variant in disease. Therefore, it has been classified as a Variant of Uncertain Significance. An algorithm developed to predict the effect of missense changes on protein structure and function (PolyPhen-2) suggests that this variant is likely to be disruptive. ClinVar contains an entry for this variant (Variation ID: 636589). This variant has not been reported in the literature in individuals affected with NFKB2-related conditions. This variant is present in population databases (rs374041971, gnomAD 0.007%). This sequence change replaces arginine, which is basic and polar, with cysteine, which is neutral and slightly polar, at codon 819 of the NFKB2 protein (p.Arg819Cys).

Blueprint Genetics
Classification: Uncertain significance. Last evaluated: 2020-12-08. Review status: criteria provided, single submitter. Criteria: ACMG Guidelines, 2015. Collection method: clinical testing. Allele origin: germline.

NM_001322934.2(NFKB2):c.2455C>T (p.Arg819Cys)

Gene: NFKB2 (nuclear factor kappa B subunit 2; plus strand). Cytogenetic location: 10q24.32.
Variant type: single nucleotide variant.
Coding change: c.2455C>T on transcript NM_001322934.2 (MANE Select); coding-DNA position 2455, C replaced by T.
Protein change: p.Arg819Cys; replaces arginine 819 with cysteine.
Molecular consequence: missense variant.
Genome position (GRCh38, 1-based): chr10:102,401,906, C>T. VCF-style: chr10-102401906-C-T. GRCh37 (hg19) VCF-style: chr10-104161663-C-T.
Other names: c.2455C>T, p.Arg819Cys (LRG_1347t1, NM_001077494.3, NM_001261403.3 and 2 more transcripts); c.2329C>T, p.Arg777Cys (NM_001322935.1); short protein forms R819C, R777C.
Identifiers: ClinVar variation 636589 (VCV000636589.5), dbSNP rs374041971, ClinGen allele CA5665081.